The following is an entry in ClinVar:

ClinVar aggregate classification (germline): Pathogenic. Review status: criteria provided, multiple submitters, no conflicts (2 of 4 stars). 16 submissions from 16 submitters: Pathogenic (15). 1 of the submissions does not count toward it. Last evaluated 2026-05-06.

Conditions:
CYP24A1-related disorder. Also called: CYP24A1-related condition.
CYP24A1-related disorders.
Hypercalcemia, infantile, 1 (HCINF1). Identifiers: Orphanet 300547, MedGen CN031131, MONDO:0020739, OMIM 143880.

Submissions 1 to 12 of 16:

Clinical Genetics Laboratory, Skane University Hospital Lund
Classification: Pathogenic for Hypercalcemia, infantile, 1. Last evaluated: 2026-05-06. Review status: criteria provided, single submitter. Criteria: ACMG Guidelines, 2015. Collection method: clinical testing. Allele origin: germline. Inheritance: Autosomal recessive inheritance. Affected: yes.
Comment: ACMG criteria used: PS3_Supporting, PM3_VeryStrong, PM4

Labcorp Genetics (formerly Invitae), Labcorp
Classification: Pathogenic. Last evaluated: 2026-01-11. Review status: criteria provided, single submitter. Criteria: Invitae Variant Classification Sherloc (09022015). Collection method: clinical testing. Allele origin: germline.
Comment: This variant, c.428_430del, results in the deletion of 1 amino acid(s) of the CYP24A1 protein (p.Glu143del), but otherwise preserves the integrity of the reading frame. This variant is present in population databases (rs777676129, gnomAD 0.1%), including at least one homozygous and/or hemizygous individual. This variant has been observed in individual(s) with idiopathic infantile hypercalcemia and hypercalciuric nephrolithiasis (PMID: 21675912, 22047572, 22112808, 23293122, 23470222, 24423361, 24875559, 25194629, 26097993, 26304832, 26787776, 26846157, 27394135, 27639704). In at least one individual the data is consistent with being in trans (on the opposite chromosome) from a pathogenic variant. It has also been observed to segregate with disease in related individuals. ClinVar contains an entry for this variant (Variation ID: 29677). Algorithms developed to predict the effect of variants on gene product structure and function are not available or were not evaluated for this variant. Experimental studies have shown that this variant affects CYP24A1 function (PMID: 21675912). For these reasons, this variant has been classified as Pathogenic.

PreventionGenetics, part of Exact Sciences
Classification: Pathogenic for CYP24A1-related condition. Last evaluated: 2025-11-01. Review status: criteria provided, single submitter. Criteria: ACMG Guidelines, 2015. Collection method: clinical testing. Allele origin: germline.
Comment: The CYP24A1 c.428_430delAAG variant is predicted to result in an in-frame deletion (p.Glu143del). This variant has been reported in the compound heterozygous or homozygous state in many unrelated individuals with autosomal recessive idiopathic infantile hypercalcemia and/or hypercalciuric nephrolithiasis (reported as E143del in Schlingmann et al. 2011. PubMed ID: 21675912; Dauber et al. 2012. PubMed ID: 22112808; Ferraro et al. 2017. PubMed ID: 27639704; Nesterova et al. 2013. PubMed ID: 23293122; Gigante et al. 2016. PubMed ID: 27394135). This variant is reported in 0.10% of alleles in individuals of European (non-Finnish) descent in gnomAD. This variant is interpreted as pathogenic.

Rare Kidney Stone Consortium and the Mayo Clinic Hyperoxaluria Center, Mayo Clinic
Classification: Pathogenic for Hypercalcemia, infantile, 1. Last evaluated: 2025-10-03. Review status: criteria provided, single submitter. Criteria: ACMG Guidelines, 2015. Collection method: research. Allele origin: germline. Affected: yes. Observed: 3 variant alleles.

Revvity Omics, Revvity
Classification: Pathogenic for Hypercalcemia, infantile, 1. Last evaluated: 2025-06-27. Review status: criteria provided, single submitter. Criteria: ACMG Guidelines, 2015. Collection method: clinical testing. Allele origin: germline.

Department of Genomic Medicine, Clinical Hospital Center Rijeka, Croatia
Classification: Pathogenic for Hypercalcemia, infantile, 1. Last evaluated: 2025-04-16. Review status: criteria provided, single submitter. Criteria: ACGS 2024 UK Practice Guidelines For Variant Classification. Collection method: clinical testing. Allele origin: germline. Inheritance: Autosomal recessive inheritance. Affected: yes. Observed: 1 variant allele, 1 compound heterozygote.
Comment: Has been reported as pathogenic in several homozygous and compound heterozygous independent patients with idiopathic infantile hypercalcemia and hypercalciuric nephrolithiasis (PMID 34125233, 34858904, 24423361, 33099630, 26304832, 33099630) [PM3_VStr]. This variant is present in control population of gnomAD in several heterozygous carriers and unexpectedly also in one homozygous individual. However, there is at least one reported asymptomatic case or mildly affected case in the medical literature with the same homozgous variant, indicating highly variable phenotype (PMID 26304832). Functional studies have been performed and support a pathogenic effect of the identified variant (PMID:21675912 (complete loss of enzyme function)) [PS3_Sup]. This variant results in an in-frame deletion in a non-repeat region [PM4]. The identified variant is consistent with a specific referral clinical presentation [PP4]. Based on the evidence presented above, we classify the identified variant as pathogenic.

First Genomix Gene Laboratory, Genetic Diagnostics Department
Classification: Pathogenic for Hypercalcemia, infantile, 1. Last evaluated: 2025-01-17. Review status: criteria provided, single submitter. Criteria: ACMG Guidelines, 2015. Collection method: clinical testing. Allele origin: germline. Inheritance: Autosomal recessive inheritance. Affected: no. Observed: 1 variant allele.

Institute of Medical Genetics and Applied Genomics, University Hospital Tübingen
Classification: Pathogenic for Hypercalcemia, infantile, 1. Last evaluated: 2025-01-10. Review status: criteria provided, single submitter. Criteria: ACMG Guidelines, 2015. Collection method: clinical testing. Allele origin: germline. Inheritance: Autosomal recessive inheritance. Affected: yes.

Blueprint Genetics
Classification: Pathogenic for CYP24A1-related disorders. Last evaluated: 2024-11-26. Review status: criteria provided, single submitter. Criteria: ACMG Guidelines, 2015. Collection method: clinical testing. Allele origin: germline. Affected: yes. Observed: 5 variant alleles.

GeneDx
Classification: Pathogenic. Last evaluated: 2024-09-03. Review status: criteria provided, single submitter. Criteria: GeneDx Variant Classification Process June 2021. Collection method: clinical testing. Allele origin: germline. Affected: yes.
Comment: Published functional studies demonstrate a damaging effect on enzyme activity (PMID: 21675912); In silico analysis supports a deleterious effect on protein structure/function; In-frame deletion of 1 amino acid in a non-repeat region; This variant is associated with the following publications: (PMID: 34805638, 34320495, 22047571, 23293122, 23470222, 31842586, 24875559, 25194629, 22047572, 26787776, 27639704, 26846157, 26304832, 26097993, 28324001, 28874334, 26501157, 29786188, 31028937, 31751313, 31980526, 26585929, 22112808, 31089432, 27394135, 21675912, 24518185, 24423361, 34426522, 31589614, 33099630, 33186763, 35569070, 28109821, 33502802, 34307984, 38476635, 37768904, 38665259, 38780860, 38156538, 38544324)

Molecular Genetics, Royal Melbourne Hospital
Classification: Pathogenic for Hypercalcemia, infantile, 1. Last evaluated: 2024-01-05. Review status: criteria provided, single submitter. Criteria: ACMG Guidelines, 2015. Collection method: clinical testing. Allele origin: germline. Inheritance: Autosomal recessive inheritance. Affected: yes.
Comment: This sequence change is predicted to cause a change in the length of the protein due to an in-frame deletion of one amino acid in a non-repeat region of the CYP24A1 protein, p.(Glu143del). The region deleted is highly conserved (100 vertebrates, UCSC). The highest population minor allele frequency in the population database gnomAD v2.1 is 0.1% (131/129,132 alleles) in the European non-Finnish population. This variant has been reported in multiple individuals with idiopathic infantile hypercalcaemia in the homozygous and compound heterozygous state (PMID: 21675912, 34858904, 34551392, 34307984, 33099630, 34125233 ). The variant has been reported to segregate with idiopathic hypercalcaemia in affected family members (PMID: 21675912). An in vitro functional assay with limited validation showed a complete loss of enzyme activity (PMID: 21675912). Based on the classification scheme RMH Modified ACMG/AMP Guidelines v1.6.1, this variant is classified as PATHOGENIC. Following criteria are met: PM3_VeryStrong, PM4_Supporting, PS3_Supporting

Institute of Human Genetics Munich, TUM University Hospital
Classification: Pathogenic for Hypercalcemia, infantile, 1. Last evaluated: 2023-03-07. Review status: criteria provided, single submitter. Criteria: Classification criteria August 2017. Collection method: clinical testing. Allele origin: germline. Inheritance: Autosomal recessive inheritance. Affected: yes. Observed: 1 variant allele.

NM_000782.5(CYP24A1):c.425AAG[1] (p.Glu143del)

Gene: CYP24A1 (cytochrome P450 family 24 subfamily A member 1; minus strand). Cytogenetic location: 20q13.2.
Variant type: Microsatellite.
Coding change: c.425AAG[1] on transcript NM_000782.5 (MANE Select); one copy of the 3-base unit AAG starting at c.425; the reference has two copies in a row; one copy, 3 bases deleted; also written c.428_430del.
Protein change: p.Glu143del; deletes glutamic acid 143.
Molecular consequence: inframe deletion.
Genome position (GRCh38, 1-based): chr20:54,172,928-54,172,930, CTT deleted on the plus strand (AAG on the coding strand, the reverse complement: CYP24A1 is on the minus strand); deleting any 3 consecutive bases within chr20:54,172,928-54,172,933 gives the same sequence; the position shown is the placement nearest the transcript's 3' end. VCF-style (leftmost placement, unchanged base first): chr20-54172927-CCTT-C. GRCh37 (hg19) VCF-style: chr20-52789466-CCTT-C.
Other names: p.(Glu143del); c.425AAG[1], p.Glu143del (NM_001128915.2); c.428_430del (NM_000782.4, NM_000782.5); c.428_430delAAG (NM_000782.5); short protein forms E143del.
Identifiers: ClinVar variation 29677 (VCV000029677.35), dbSNP rs777676129, ClinGen allele CA9916170.